The following is an entry in ClinVar:

NM_014000.3(VCL):c.*1854A>C

Gene: VCL (vinculin; plus strand). Cytogenetic location: 10q22.2.
Variant type: single nucleotide variant.
Coding change: c.*1854A>C on transcript NM_014000.3 (MANE Select); 1854 bases downstream of the stop codon, A replaced by C.
Molecular consequence: 3 prime UTR variant.
Genome position (GRCh38, 1-based): chr10:74,120,023, A>C. VCF-style: chr10-74120023-A-C. GRCh37 (hg19) VCF-style: chr10-75879781-A-C.
Other names: c.*1854A>C (NM_003373.4).
Identifiers: ClinVar variation 300828 (VCV000300828.7), dbSNP rs3829204, ClinGen allele CA10636369.

ClinVar aggregate classification (germline): Benign/Likely benign. Review status: criteria provided, multiple submitters, no conflicts (2 of 4 stars). 3 submissions from 3 submitters: Benign (1); Likely benign (2). Last evaluated 2021-09-18.

Conditions:
Dilated cardiomyopathy 1W (CMD1W). Identifiers: Orphanet 154, MedGen C1969639, MONDO:0012667, OMIM 611407.
Hypertrophic cardiomyopathy 15. Identifiers: MedGen C2750459, MONDO:0013200, OMIM 613255.

Allele frequency attached by ClinVar (database versions not stated): 1000 Genomes Project 0.06130; 1000 Genomes Project 30x 0.10212; gnomAD 0.11620 and 0.11656.

Submissions (3):

Fulgent Genetics
Classification: Benign for Dilated cardiomyopathy 1W; Hypertrophic cardiomyopathy 15. Last evaluated: 2021-09-18. Review status: criteria provided, single submitter. Criteria: ACMG Guidelines, 2015. Collection method: clinical testing. Allele origin: unknown.

Illumina Laboratory Services, Illumina
Classification: Likely benign for Dilated cardiomyopathy 1W. Last evaluated: 2018-01-12. Review status: criteria provided, single submitter. Criteria: ICSL Variant Classification Criteria 13 December 2019. Collection method: clinical testing. Allele origin: germline.
Comment: This variant was observed in the ICSL laboratory as part of a predisposition screen in an ostensibly healthy population. It had not been previously curated by ICSL or reported in the Human Gene Mutation Database (HGMD: prior to June 1st, 2018), and was therefore a candidate for classification through an automated scoring system. Utilizing variant allele frequency, disease prevalence and penetrance estimates, and inheritance mode, an automated score was calculated to assess if this variant is too frequent to cause the disease. Based on the score and internal cut-off values, a variant classified as likely benign is not then subjected to further curation. The score for this variant resulted in a classification of likely benign for this disease.

Breakthrough Genomics
Classification: Likely benign. Review status: criteria provided, single submitter. Criteria: ACMG Guidelines, 2015. Collection method: not provided. Allele origin: germline. Inheritance: Autosomal dominant inheritance. Affected: yes.